The following is an entry in ClinVar:

ClinVar aggregate classification (germline): Conflicting classifications of pathogenicity. Review status: criteria provided, conflicting classifications (1 of 4 stars). 4 submissions from 4 submitters: Uncertain significance (1); Benign (1); Likely benign (2). Last evaluated 2026-08-07.

Conditions:
Leber congenital amaurosis 4 (LCA4). Identifiers: MedGen C1858386, MONDO:0011458, OMIM 604393.
AIPL1-related disorder. Also called: AIPL1-related condition; AIPL1-related disorders. Identifiers: MedGen CN239169.

Allele frequency attached by ClinVar (database versions not stated): 1000 Genomes Project 0.00180; 1000 Genomes Project 30x 0.00203; TOPMed 0.00240; ESP Exome Variant Server 0.00277.
gnomAD v4.1: 596 of 1,612,966 alleles (0.037%); highest among the groups gnomAD compares: African/African-American, 0.72%; 1 homozygote.

Submissions (4):

PreventionGenetics, part of Exact Sciences
Classification: Benign for AIPL1-related condition. Last evaluated: 2026-08-07. Review status: criteria provided, single submitter. Criteria: ACMG Guidelines, 2015. Collection method: clinical testing. Allele origin: germline.
Comment: This variant is classified as benign based on ACMG/AMP sequence variant interpretation guidelines (Richards et al. 2015 PMID: 25741868, with internal and published modifications).

Labcorp Genetics (formerly Invitae), Labcorp
Classification: Likely benign for Leber congenital amaurosis 4. Last evaluated: 2026-02-02. Review status: criteria provided, single submitter. Criteria: Invitae Variant Classification Sherloc (09022015). Collection method: clinical testing. Allele origin: germline.

Blueprint Genetics
Classification: Likely benign. Last evaluated: 2024-07-18. Review status: criteria provided, single submitter. Criteria: ACMG Guidelines, 2015. Collection method: clinical testing. Allele origin: germline.

Illumina Laboratory Services, Illumina
Classification: Uncertain significance for Leber congenital amaurosis 4. Last evaluated: 2018-01-12. Review status: criteria provided, single submitter. Criteria: ICSL Variant Classification Criteria 13 December 2019. Collection method: clinical testing. Allele origin: germline.

NM_014336.5(AIPL1):c.98T>C (p.Val33Ala)

Gene: AIPL1 (AIP like 1 HSP90 co-chaperone; minus strand). Cytogenetic location: 17p13.2.
Variant type: single nucleotide variant.
Coding change: c.98T>C on transcript NM_014336.5 (MANE Select); coding-DNA position 98, T replaced by C.
Protein change: p.Val33Ala; replaces valine 33 with alanine.
Molecular consequence: missense variant. On other transcripts: 5 prime UTR variant (1), intron variant (3).
Genome position (GRCh38, 1-based): chr17:6,434,097, A>G on the plus strand (T>C on the coding strand, the complement: AIPL1 is on the minus strand). VCF-style: chr17-6434097-A-G. GRCh37 (hg19) VCF-style: chr17-6337417-A-G.
Other names: c.98T>C, p.Val33Ala (NM_001033054.3, NM_001285401.3, NM_001285403.4); c.-20T>C (NM_001285402.2); c.96+912T>C (NM_001033055.3); c.97-65T>C (NM_001285400.3); c.97-35T>C (NM_001285399.3); short protein forms V33A.
Identifiers: ClinVar variation 707596 (VCV000707596.19), dbSNP rs16955859, ClinGen allele CA8328623.